The following is an entry in ClinVar:

ClinVar aggregate classification (germline): Pathogenic (1 of 4 stars; one submission).

Conditions:
Joubert syndrome 21 (JBTS21). Identifiers: MedGen C3810212, MONDO:0014288, OMIM 615636.

Submission:

Labcorp Genetics (formerly Invitae), Labcorp
Classification: Pathogenic for Joubert syndrome 21. Last evaluated: 2025-01-29. Review status: criteria provided, single submitter. Criteria: Invitae Variant Classification Sherloc (09022015). Collection method: clinical testing. Allele origin: germline.
Comment: This sequence change creates a premature translational stop signal (p.His842Profs*2) in the CSPP1 gene. It is expected to result in an absent or disrupted protein product. Loss-of-function variants in CSPP1 are known to be pathogenic (PMID: 24360807, 24360808). This variant is not present in population databases (gnomAD no frequency). This variant has not been reported in the literature in individuals affected with CSPP1-related conditions. ClinVar contains an entry for this variant (Variation ID: 573876). For these reasons, this variant has been classified as Pathogenic.

Literature cited by the submitters: PubMed 24360807; PubMed 24360808.

NM_001382391.1(CSPP1):c.2540del (p.His847fs)

Gene: CSPP1 (centrosome and spindle pole associated protein 1; plus strand). Cytogenetic location: 8q13.2.
Variant type: Deletion.
Coding change: c.2540del on transcript NM_001382391.1 (MANE Select); coding-DNA position 2540, one base deleted (A; older notation c.2540delA).
Protein change: p.His847fs; shifts the reading frame from histidine 847.
Molecular consequence: frameshift variant.
Genome position (GRCh38, 1-based): chr8:67,161,812, A deleted. VCF-style (leftmost placement, unchanged base first): chr8-67161811-CA-C. GRCh37 (hg19) VCF-style: chr8-68074046-CA-C.
Other names: c.2525delA (NM_024790.6); c.1490del, p.His497fs (NM_001291339.2); c.2459del, p.His820fs (NM_001363131.2); c.2345del, p.His782fs (NM_001363132.2); c.2264del, p.His755fs (NM_001363133.2); c.2606del, p.His869fs (NM_001364869.1); c.2426del, p.His809fs (NM_001364870.1); c.2525delA, p.His842Profs (NM_024790.7); short protein forms H809fs, H820fs, H755fs, H782fs, H497fs, H842fs, H869fs, H847fs.
Identifiers: ClinVar variation 573876 (VCV000573876.6), dbSNP rs1563720581, ClinGen allele CA891842730.